The following is an entry in ClinVar:

ClinVar aggregate classification (germline): Uncertain significance (1 of 4 stars; one submission).

Conditions:
Developmental and epileptic encephalopathy, 11 (DEE11). Also called: Early infantile epileptic encephalopathy 11. Identifiers: Orphanet 1934, MedGen C3150987, MONDO:0013388, OMIM 613721.

Submission:

Unidad de Genómica Garrahan, Hospital de Pediatría Garrahan
Classification: Uncertain significance for Developmental and epileptic encephalopathy, 11. Last evaluated: 2024-11-14. Review status: criteria provided, single submitter. Criteria: ACMG Guidelines, 2015. Collection method: clinical testing. Allele origin: germline. Affected: yes. Observed: 1 variant allele.
Comment: This sequence change in exon 27 would result in the substitution of threonine with isoleucine at codon 1810 of the SCN2A protein (p.(Thr1810Ile)), located in the C-terminal domain, within a Pathogenic Enriched Region (PM1 Table of ACMG/AMP Variant Interpretation Guidelines for SCN2A Version 1.0.0). This variant is not present in population databases (gnomAD). There are no previous reports in the literature or in databases associated with genetic diseases identifying it as either a pathogenic or benign variant to our knowledge (novel variant). Algorithms developed to predict the pathogenicity of missense variants suggest that this variant is likely to be disease-causing (REVEL, 0.84). For these reasons, we have classified this variant as being of uncertain significance, according to the following ACMG criteria: PM1_moderate, PM2_supporting and PP3_moderate. The patient's clinical features are consistent with cases reported in the literature associated with variants in this gene (PMID: 31105003, 28709814).

NM_001040142.2(SCN2A):c.5429C>T (p.Thr1810Ile)

Gene: SCN2A (sodium voltage-gated channel alpha subunit 2; plus strand). Cytogenetic location: 2q24.3.
Variant type: single nucleotide variant.
Coding change: c.5429C>T on transcript NM_001040142.2 (MANE Select); coding-DNA position 5429, C replaced by T.
Protein change: p.Thr1810Ile; replaces threonine 1810 with isoleucine.
Molecular consequence: missense variant.
Genome position (GRCh38, 1-based): chr2:165,389,235, C>T. VCF-style: chr2-165389235-C-T. GRCh37 (hg19) VCF-style: chr2-166245745-C-T.
Other names: NM_001371246.1:c.5429C>T; NP_001358175.1:p.(Thr1810Ile); c.5429C>T, p.Thr1810Ile (NM_001040143.2, NM_001371246.1, NM_001371247.1 and 1 more transcripts); short protein forms T1810I.
Identifiers: ClinVar variation 3377763 (VCV003377763.2).